The following is an entry in ClinVar:

ClinVar aggregate classification (germline): Conflicting classifications of pathogenicity. Review status: criteria provided, conflicting classifications (1 of 4 stars). 2 submissions from 2 submitters: Uncertain significance (1); Likely benign (1). Last evaluated 2025-08-14.

Conditions:
GPRASP2-related disorder. Also called: GPRASP2-related condition.

gnomAD v4.1: 50 of 1,209,832 alleles (0.0041%); highest among the groups gnomAD compares: Admixed American, 0.11%; no homozygotes.

Submissions (2):

Ambry Genetics
Classification: Uncertain significance. Last evaluated: 2025-08-14. Review status: criteria provided, single submitter. Criteria: Ambry Variant Classification Scheme 2023. Collection method: clinical testing. Allele origin: germline.

PreventionGenetics, part of Exact Sciences
Classification: Likely benign for GPRASP2-related condition. Last evaluated: 2025-03-31. Review status: criteria provided, single submitter. Criteria: ACMG Guidelines, 2015. Collection method: clinical testing. Allele origin: germline.
Comment: This variant is classified as likely benign based on ACMG/AMP sequence variant interpretation guidelines (Richards et al. 2015 PMID: 25741868, with internal and published modifications).

NM_001004051.4(GPRASP2):c.789G>C (p.Gln263His)

Genes: ARMCX5-GPRASP2 (ARMCX5-GPRASP2 readthrough; plus strand), GPRASP2 (G protein-coupled receptor associated sorting protein 2; plus strand). Cytogenetic location: Xq22.1.
Variant type: single nucleotide variant.
Coding change: c.789G>C on transcript NM_001004051.4 (MANE Select); coding-DNA position 789, G replaced by C.
Protein change: p.Gln263His; replaces glutamine 263 with histidine.
Molecular consequence: missense variant. On other transcripts: intron variant (3).
Genome position (GRCh38, 1-based): chrX:102,715,658, G>C. VCF-style: chrX-102715658-G-C. GRCh37 (hg19) VCF-style: chrX-101970586-G-C.
Other names: c.789G>C (NM_138437.5); c.789G>C, p.Gln263His (NM_001199818.1, NM_001184874.3, NM_001184875.3 and 2 more transcripts); c.-820+1392G>C (NM_001350268.2); c.-752+1392G>C (NM_001350269.2); c.-721+1392G>C (NM_001350270.1); short protein forms Q263H.
Identifiers: ClinVar variation 4266352 (VCV004266352.2).